The following is an entry in ClinVar:

NM_014844.5(TECPR2):c.937G>C (p.Asp313His)

Gene: TECPR2 (tectonin beta-propeller repeat containing 2; plus strand). Cytogenetic location: 14q32.31.
Variant type: single nucleotide variant.
Coding change: c.937G>C on transcript NM_014844.5 (MANE Select); coding-DNA position 937, G replaced by C.
Protein change: p.Asp313His; replaces aspartic acid 313 with histidine.
Molecular consequence: missense variant.
Genome position (GRCh38, 1-based): chr14:102,425,277, G>C. VCF-style: chr14-102425277-G-C. GRCh37 (hg19) VCF-style: chr14-102891614-G-C.
Other names: c.937G>C, p.Asp313His (NM_001172631.3); short protein forms D313H.
Identifiers: ClinVar variation 1917573 (VCV001917573.5), dbSNP rs761090703, ClinGen allele CA7357549.

ClinVar aggregate classification (germline): Uncertain significance (1 of 4 stars; one submission).

Conditions:
Hereditary spastic paraplegia 49 (HSAN9). Also called: TECPR2-Related Hereditary Sensory and Autonomic Neuropathy with Intellectual Disability; NEUROPATHY, HEREDITARY SENSORY AND AUTONOMIC, TYPE IX, WITH DEVELOPMENTAL DELAY; Spastic paraplegia 49, autosomal recessive. Identifiers: Orphanet 320385, MedGen C5190860, MONDO:0014016, OMIM 615031.

Allele frequency attached by ClinVar (database versions not stated): TOPMed below 0.00001; gnomAD 0.00001; gnomAD exomes 0.00001; ExAC 0.00004.
gnomAD v4.1: 8 of 1,589,820 alleles (0.0005%); highest among the groups gnomAD compares: Non-Finnish European, 0.00069%; no homozygotes.

Submission:

Labcorp Genetics (formerly Invitae), Labcorp
Classification: Uncertain significance for Hereditary spastic paraplegia 49. Last evaluated: 2022-06-11. Review status: criteria provided, single submitter. Criteria: Invitae Variant Classification Sherloc (09022015). Collection method: clinical testing. Allele origin: germline.
Comment: In summary, the available evidence is currently insufficient to determine the role of this variant in disease. Therefore, it has been classified as a Variant of Uncertain Significance. Algorithms developed to predict the effect of missense changes on protein structure and function are either unavailable or do not agree on the potential impact of this missense change (SIFT: "Deleterious"; PolyPhen-2: "Benign"; Align-GVGD: "Class C0"). This variant has not been reported in the literature in individuals affected with TECPR2-related conditions. This variant is present in population databases (rs761090703, gnomAD 0.005%). This sequence change replaces aspartic acid, which is acidic and polar, with histidine, which is basic and polar, at codon 313 of the TECPR2 protein (p.Asp313His).